The following is an entry in ClinVar:

ClinVar aggregate classification (germline): Uncertain significance (1 of 4 stars; one submission).

Conditions:
Encephalopathy, acute, infection-induced (herpes-specific), susceptibility to, 6. Also called: Herpes simplex encephalitis, susceptibility to, 4. Identifiers: Orphanet 1930, MedGen C3553869, MONDO:0013921, OMIM 614850.

Submission:

Labcorp Genetics (formerly Invitae), Labcorp
Classification: Uncertain significance for Encephalopathy, acute, infection-induced (herpes-specific), susceptibility to, 6. Last evaluated: 2021-06-19. Review status: criteria provided, single submitter. Criteria: Invitae Variant Classification Sherloc (09022015). Collection method: clinical testing. Allele origin: germline.
Comment: In summary, the available evidence is currently insufficient to determine the role of this variant in disease. Therefore, it has been classified as a Variant of Uncertain Significance. Algorithms developed to predict the effect of missense changes on protein structure and function are either unavailable or do not agree on the potential impact of this missense change (SIFT: "Tolerated"; PolyPhen-2: "Possibly Damaging"; Align-GVGD: "Class C0"). This variant has not been reported in the literature in individuals with TICAM1-related conditions. This variant is not present in population databases (ExAC no frequency). This sequence change replaces glycine with glutamic acid at codon 437 of the TICAM1 protein (p.Gly437Glu). The glycine residue is moderately conserved and there is a moderate physicochemical difference between glycine and glutamic acid.

NM_182919.4(TICAM1):c.1310G>A (p.Gly437Glu)

Gene: TICAM1 (TIR domain containing adaptor molecule 1; minus strand). Cytogenetic location: 19p13.3.
Variant type: single nucleotide variant.
Coding change: c.1310G>A on transcript NM_182919.4 (MANE Select); coding-DNA position 1310, G replaced by A.
Protein change: p.Gly437Glu; replaces glycine 437 with glutamic acid.
Molecular consequence: missense variant.
Genome position (GRCh38, 1-based): chr19:4,817,068, C>T on the plus strand (G>A on the coding strand, the complement: TICAM1 is on the minus strand). VCF-style: chr19-4817068-C-T. GRCh37 (hg19) VCF-style: chr19-4817080-C-T.
Other names: c.1268G>A, p.Gly423Glu (NM_001385678.1); c.1175G>A, p.Gly392Glu (NM_001385679.1); c.668G>A, p.Gly223Glu (NM_001385680.1); short protein forms G223E, G392E, G423E, G437E.
Identifiers: ClinVar variation 1445156 (VCV001445156.8), dbSNP rs2093587189, ClinGen allele CA403490188.